The following is an entry in ClinVar:

NM_133510.4(RAD51B):c.767C>T (p.Thr256Met)

Gene: RAD51B (RAD51 paralog B; plus strand). Cytogenetic location: 14q24.1.
Variant type: single nucleotide variant.
Coding change: c.767C>T on transcript NM_133510.4 (MANE Select); coding-DNA position 767, C replaced by T.
Protein change: p.Thr256Met; replaces threonine 256 with methionine.
Molecular consequence: missense variant.
Genome position (GRCh38, 1-based): chr14:68,291,894, C>T. VCF-style: chr14-68291894-C-T. GRCh37 (hg19) VCF-style: chr14-68758611-C-T.
Other names: c.767C>T, p.Thr256Met (NM_001321809.2, NM_001321810.2, NM_001321812.1 and 6 more transcripts); c.653C>T, p.Thr218Met (NM_001321815.1); c.410C>T, p.Thr137Met (NM_001321817.2); short protein forms T137M, T256M, T218M.
Identifiers: ClinVar variation 4149794 (VCV004149794.1).
Genomic context (GRCh38, chr14:68,291,894, plus strand): 5'-CTGTCTTTCTTCTCCCTTGCCCCCTACCCCTTCTCCCTGTCTGTTCACAGGTTATCTTGA[C>T]GAATCAGATTACAACCCATCTGAGTGGAGCCCTGGCTTCTCAGGCAGACCTGGTGTCTCC-3'
Protein context (NP_598194.1, residues 246-266): AEEFSIPVIL[Thr256Met]NQITTHLSGA

ClinVar aggregate classification (germline): Uncertain significance (1 of 4 stars; one submission).

gnomAD v4.1: 19 of 1,612,996 alleles (0.0012%); highest among the groups gnomAD compares: East Asian, 0.0022%; no homozygotes.

Submission:

Ambry Genetics
Classification: Uncertain significance. Last evaluated: 2025-07-03. Review status: criteria provided, single submitter. Criteria: Ambry Variant Classification Scheme 2023. Collection method: clinical testing. Allele origin: germline.
Comment: The p.T256M variant (also known as c.767C>T), located in coding exon 7 of the RAD51B gene, results from a C to T substitution at nucleotide position 767. The threonine at codon 256 is replaced by methionine, an amino acid with similar properties. This amino acid position is highly conserved in available vertebrate species. In addition, this alteration is predicted to be deleterious by in silico analysis. The evidence for this gene-disease relationship is limited; therefore, the clinical significance of this alteration is unclear.